The following is an entry in ClinVar:

ClinVar aggregate classification (germline): Uncertain significance (1 of 4 stars; one submission).

Submission:

GeneDx
Classification: Uncertain significance. Last evaluated: 2026-03-24. Review status: criteria provided, single submitter. Criteria: GeneDx Variant Classification Process June 2021. Collection method: clinical testing. Allele origin: germline.
Comment: Not observed at significant frequency in large population cohorts (gnomAD); In silico analysis suggests that this missense variant does not alter protein structure/function; Has not been previously published as pathogenic or benign to our knowledge

NM_024408.4(NOTCH2):c.4570A>G (p.Ser1524Gly)

Gene: NOTCH2 (notch receptor 2; minus strand). Cytogenetic location: 1p12.
Variant type: single nucleotide variant.
Coding change: c.4570A>G on transcript NM_024408.4 (MANE Select); coding-DNA position 4570, A replaced by G.
Protein change: p.Ser1524Gly; replaces serine 1524 with glycine.
Molecular consequence: missense variant.
Genome position (GRCh38, 1-based): chr1:119,923,926, T>C on the plus strand (A>G on the coding strand, the complement: NOTCH2 is on the minus strand). VCF-style: chr1-119923926-T-C. GRCh37 (hg19) VCF-style: chr1-120466549-T-C.
Other names: short protein forms S1524G.
Identifiers: ClinVar variation 5017424 (VCV005017424.1).